The following is an entry in ClinVar:

ClinVar aggregate classification (germline): Likely benign (1 of 4 stars; one submission).

Allele frequency attached by ClinVar (database versions not stated): ESP Exome Variant Server 0.00019; ExAC 0.00033; TOPMed 0.00006; gnomAD exomes 0.00009; gnomAD 0.00011.

Submission:

CeGaT Center for Human Genetics Tuebingen
Classification: Likely benign. Last evaluated: 2022-07-01. Review status: criteria provided, single submitter. Criteria: CeGaT Center For Human Genetics Tuebingen Variant Classification Criteria Version 2. Collection method: clinical testing. Allele origin: germline. Affected: yes. Observed: 1 variant allele.
Comment: TREX2: BP4, BP7

NM_080701.4(TREX2):c.678C>T (p.Tyr226=)

Gene: TREX2 (three prime repair exonuclease 2; minus strand). Cytogenetic location: Xq28.
Variant type: single nucleotide variant.
Coding change: c.678C>T on transcript NM_080701.4 (MANE Select); coding-DNA position 678, C replaced by T.
Protein change: p.Tyr226=; no amino-acid change (tyrosine 226 retained).
Molecular consequence: synonymous variant.
Genome position (GRCh38, 1-based): chrX:153,444,753, G>A on the plus strand (C>T on the coding strand, the complement: TREX2 is on the minus strand). VCF-style: chrX-153444753-G-A. GRCh37 (hg19) VCF-style: chrX-152710211-G-A.
Other names: c.678C>T, p.Tyr226= (NM_007205.3).
Identifiers: ClinVar variation 2661683 (VCV002661683.24), dbSNP rs145351495, ClinGen allele CA10546473.
Genomic context (GRCh38, chrX:153,444,753, plus strand): 5'-CCATGGCACAGGAGGTGGCCCTGGTGCTCAGGCCTCCAGGCTGGGGTCATCAGGCGGCAA[G>A]TACATGGGCTCGATGTGGGCCCACCCACGGGCCTGCTCATCGGCCCAGGCGAGCAGCTCT-3'
Protein context (NP_542432.2, residues 216-236): ARGWAHIEPM[Tyr226=]LPPDDPSLEA